The following is an entry in ClinVar:

NM_018255.4(ELP2):c.788A>G (p.Glu263Gly)

Gene: ELP2 (elongator acetyltransferase complex subunit 2; plus strand). Cytogenetic location: 18q12.2.
Variant type: single nucleotide variant.
Coding change: c.788A>G on transcript NM_018255.4 (MANE Select); coding-DNA position 788, A replaced by G.
Protein change: p.Glu263Gly; replaces glutamic acid 263 with glycine.
Molecular consequence: missense variant. On other transcripts: non-coding transcript variant (4).
Genome position (GRCh38, 1-based): chr18:36,142,958, A>G. VCF-style: chr18-36142958-A-G. GRCh37 (hg19) VCF-style: chr18-33722921-A-G.
Other names: c.983A>G, p.Glu328Gly (NM_001242875.3); c.905A>G, p.Glu302Gly (NM_001242876.3, NM_001324466.2); c.710A>G, p.Glu237Gly (NM_001242877.3, NM_001242878.3); c.578A>G, p.Glu193Gly (NM_001242879.3); c.788A>G, p.Glu263Gly (NM_001324465.2, NM_001324467.2); c.341A>G, p.Glu114Gly (NM_001324468.2); c.983A>G (NM_001242875.1); short protein forms E114G, E193G, E328G, E263G, E237G, E302G.
Identifiers: ClinVar variation 791507 (VCV000791507.7), dbSNP rs140841474, ClinGen allele CA8939732.

ClinVar aggregate classification (germline): Likely benign. Review status: criteria provided, multiple submitters, no conflicts (2 of 4 stars). 3 submissions from 3 submitters: Likely benign (2). 1 of the submissions does not count toward it. Last evaluated 2025-01-29.

Conditions:
ELP2-related disorder. Also called: ELP2-Related Disorders; ELP2-related condition.
Inborn genetic diseases. Identifiers: MedGen C0950123, MeSH D030342.

Allele frequency attached by ClinVar (database versions not stated): 1000 Genomes Project 30x 0.00016; 1000 Genomes Project 0.00020; TOPMed 0.00094; gnomAD exomes 0.00124 and 0.00144; gnomAD 0.00127 and 0.00130; ESP Exome Variant Server 0.00131; ExAC 0.00194.
gnomAD v4.1: 1,942 of 1,586,270 alleles (0.12%); highest among the groups gnomAD compares: Non-Finnish European, 0.14%; 3 homozygotes.

Submissions (3):

Ambry Genetics
Classification: Likely benign for Inborn genetic diseases. Last evaluated: 2025-01-29. Review status: criteria provided, single submitter. Criteria: Ambry Variant Classification Scheme 2023. Collection method: clinical testing. Allele origin: germline.

Labcorp Genetics (formerly Invitae), Labcorp
Classification: Likely benign. Last evaluated: 2019-12-31. Review status: criteria provided, single submitter. Criteria: Invitae Variant Classification Sherloc (09022015). Collection method: clinical testing. Allele origin: germline.

PreventionGenetics, part of Exact Sciences
Classification: Likely benign for ELP2-related condition. Last evaluated: 2022-12-27. Review status: no assertion criteria provided. Collection method: clinical testing. Allele origin: germline. Not counted in ClinVar's aggregate classification.
Comment: This variant is classified as likely benign based on ACMG/AMP sequence variant interpretation guidelines (Richards et al. 2015 PMID: 25741868, with internal and published modifications).